The following is an entry in ClinVar:

ClinVar aggregate classification (germline): Uncertain significance. Review status: criteria provided, multiple submitters, no conflicts (2 of 4 stars). 2 submissions from 2 submitters: Uncertain significance (2). Last evaluated 2025-05-16.

Conditions:
Inborn genetic diseases. Identifiers: MedGen C0950123, MeSH D030342.
Developmental and epileptic encephalopathy. Identifiers: MedGen C5779964, MONDO:0100620.

Submissions (2):

Ambry Genetics
Classification: Uncertain significance for Inborn genetic diseases. Last evaluated: 2025-05-16. Review status: criteria provided, single submitter. Criteria: Ambry Variant Classification Scheme 2023. Collection method: clinical testing. Allele origin: germline.

Labcorp Genetics (formerly Invitae), Labcorp
Classification: Uncertain significance for Early-infantile DEE. Last evaluated: 2021-08-09. Review status: criteria provided, single submitter. Criteria: Invitae Variant Classification Sherloc (09022015). Collection method: clinical testing. Allele origin: germline.
Comment: This sequence change replaces leucine with phenylalanine at codon 253 of the SLC25A22 protein (p.Leu253Phe). The leucine residue is highly conserved and there is a small physicochemical difference between leucine and phenylalanine. This variant is not present in population databases (ExAC no frequency). This variant has not been reported in the literature in individuals affected with SLC25A22-related conditions. Algorithms developed to predict the effect of missense changes on protein structure and function are either unavailable or do not agree on the potential impact of this missense change (SIFT: "Deleterious"; PolyPhen-2: "Possibly Damaging"; Align-GVGD: "Class C0"). In summary, the available evidence is currently insufficient to determine the role of this variant in disease. Therefore, it has been classified as a Variant of Uncertain Significance.

NM_001191061.2(SLC25A22):c.757C>T (p.Leu253Phe)

Gene: SLC25A22 (solute carrier family 25 member 22; minus strand). Cytogenetic location: 11p15.5.
Variant type: single nucleotide variant.
Coding change: c.757C>T on transcript NM_001191061.2 (MANE Select); coding-DNA position 757, C replaced by T.
Protein change: p.Leu253Phe; replaces leucine 253 with phenylalanine.
Molecular consequence: missense variant.
Genome position (GRCh38, 1-based): chr11:792,203, G>A on the plus strand (C>T on the coding strand, the complement: SLC25A22 is on the minus strand). VCF-style: chr11-792203-G-A. GRCh37 (hg19) VCF-style: chr11-792203-G-A.
Other names: c.757C>T, p.Leu253Phe (NM_001191060.2, NM_024698.6); c.757C>T (NM_024698.5); short protein forms L253F.
Identifiers: ClinVar variation 1468002 (VCV001468002.5), dbSNP rs1565035315, ClinGen allele CA378967928.